The following is an entry in ClinVar:

ClinVar aggregate classification (germline): Uncertain significance (1 of 4 stars; one submission).

Conditions:
Hereditary cancer-predisposing syndrome. Also called: Tumor predisposition; Neoplastic Syndromes, Hereditary; Hereditary neoplastic syndrome; Hereditary Cancer Syndrome. Identifiers: Orphanet 140162, MedGen C0027672, MeSH D009386, MONDO:0015356.

Submission:

Ambry Genetics
Classification: Uncertain significance for Hereditary cancer-predisposing syndrome. Last evaluated: 2024-10-11. Review status: criteria provided, single submitter. Criteria: Ambry Variant Classification Scheme 2023. Collection method: clinical testing. Allele origin: germline.
Comment: The c.932-73_932-11dup63 intronic variant, results from a duplication of 63 nucleotides at nucleotide positions c.932-73 and c.932-11 in intron 10 of the BAP1 gene. In silico splice site analysis predicts that this alteration will result in the creation or strengthening of a novel splice acceptor site. RNA studies have demonstrated that this alteration results in a splice defect; the clinical impact of this abnormal splicing is unknown at this time (Ambry internal data). Based on the available evidence, the clinical significance of this variant remains unclear.

NM_004656.4(BAP1):c.932-73_932-11dup

Gene: BAP1 (BRCA1 associated deubiquitinase 1; minus strand). Cytogenetic location: 3p21.1.
Variant type: Duplication.
Coding change: c.932-73_932-11dup on transcript NM_004656.4 (MANE Select); 73 bases into the intron before coding-DNA position 932 through 11 bases into the intron before coding-DNA position 932, 63 bases duplicated.
Molecular consequence: intron variant.
Genome position (GRCh38, 1-based): chr3:52,405,305-52,405,367, 63 bases duplicated. GRCh37 (hg19): chr3:52,439,322-52,439,384.
Other names: c.878-73_878-11dup (NM_001410772.1).
Identifiers: ClinVar variation 3477689 (VCV003477689.1).